The following is an entry in ClinVar:

ClinVar aggregate classification (germline): Benign/Likely benign. Review status: criteria provided, multiple submitters, no conflicts (2 of 4 stars). 10 submissions from 10 submitters: Benign (6); Likely benign (3). 1 of the submissions does not count toward it. Last evaluated 2026-07-01.

Conditions:
Tuberous sclerosis syndrome (TSC). Also called: Tuberous Sclerosis Complex; Tuberous sclerosis. Identifiers: Orphanet 805, MedGen C0041341, MONDO:0001734.
Tuberous sclerosis 2 (TSC2). Identifiers: Orphanet 805, MedGen C1860707, MONDO:0013199, OMIM 613254.
TSC2-related disorder. Also called: TSC2-Related Disorders; TSC2-related condition.
Hereditary cancer-predisposing syndrome. Also called: Hereditary neoplastic syndrome; Neoplastic Syndromes, Hereditary; Hereditary Cancer Syndrome; Tumor predisposition. Identifiers: Orphanet 140162, MedGen C0027672, MeSH D009386, MONDO:0015356.

Allele frequency attached by ClinVar (database versions not stated): TOPMed 0.00009; gnomAD 0.00017 and 0.00018.
gnomAD v4.1: 43 of 1,608,716 alleles (0.0027%); highest among the groups gnomAD compares: Admixed American, 0.061%; no homozygotes.

Submissions (10):

CeGaT Center for Human Genetics Tuebingen
Classification: Likely benign. Last evaluated: 2026-07-01. Review status: criteria provided, single submitter. Criteria: CeGaT Center For Human Genetics Tuebingen Variant Classification Criteria Version 2. Collection method: clinical testing. Allele origin: germline. Affected: yes. Observed: 3 variant alleles.
Comment: TSC2: BP4, BP7

Labcorp Genetics (formerly Invitae), Labcorp
Classification: Benign for Tuberous sclerosis 2. Last evaluated: 2026-01-27. Review status: criteria provided, single submitter. Criteria: Invitae Variant Classification Sherloc (09022015). Collection method: clinical testing. Allele origin: germline.

Myriad Genetics, Inc.
Classification: Benign for Tuberous sclerosis 2. Last evaluated: 2025-06-02. Review status: criteria provided, single submitter. Criteria: Myriad Autosomal Dominant, Autosomal Recessive and X-Linked Classification Criteria (2023). Collection method: clinical testing. Allele origin: unknown.
Comment: This variant is considered benign. This variant is a silent/synonymous amino acid change and it is not expected to impact splicing.

All of Us Research Program, National Institutes of Health
Classification: Benign for Tuberous sclerosis syndrome. Last evaluated: 2024-09-23. Review status: criteria provided, single submitter. Criteria: ACMG Guidelines, 2015. Collection method: clinical testing. Allele origin: germline. Inheritance: Autosomal dominant inheritance. Observed: 8 variant alleles, 8 heterozygotes.
Comment: This study involves interpretation of variants in research participants for the purpose of population health screening. Participant phenotype was not available at the time of variant classification. Additional details can be found in publication PMID: 35346344, PMCID: PMC8962531

Color Diagnostics, LLC DBA Color Health
Classification: Benign for Tuberous sclerosis syndrome. Last evaluated: 2022-10-05. Review status: criteria provided, single submitter. Criteria: ACMG Guidelines, 2015. Collection method: clinical testing. Allele origin: germline.

Genome-Nilou Lab
Classification: Benign for Tuberous sclerosis 2. Last evaluated: 2021-11-07. Review status: criteria provided, single submitter. Criteria: ACMG Guidelines, 2015. Collection method: clinical testing. Allele origin: germline. Affected: no.

Sema4
Classification: Benign for Hereditary cancer-predisposing syndrome. Last evaluated: 2021-10-28. Review status: criteria provided, single submitter. Criteria: Sema4 Curation Guidelines. Collection method: curation. Allele origin: germline.

GeneDx
Classification: Likely benign. Last evaluated: 2020-02-14. Review status: criteria provided, single submitter. Criteria: GeneDx Variant Classification Process June 2021. Collection method: clinical testing. Allele origin: germline. Affected: yes.

Ambry Genetics
Classification: Likely benign for Hereditary cancer-predisposing syndrome. Last evaluated: 2015-06-19. Review status: criteria provided, single submitter. Criteria: Ambry Variant Classification Scheme 2023. Collection method: clinical testing. Allele origin: germline.

PreventionGenetics, part of Exact Sciences
Classification: Likely benign for TSC2-related condition. Last evaluated: 2019-03-18. Review status: no assertion criteria provided. Collection method: clinical testing. Allele origin: germline. Not counted in ClinVar's aggregate classification.
Comment: This variant is classified as likely benign based on ACMG/AMP sequence variant interpretation guidelines (Richards et al. 2015 PMID: 25741868, with internal and published modifications).

NM_000548.5(TSC2):c.3942C>T (p.Pro1314=)

Gene: TSC2 (TSC complex subunit 2; plus strand). Cytogenetic location: 16p13.3.
Variant type: single nucleotide variant.
Coding change: c.3942C>T on transcript NM_000548.5 (MANE Select); coding-DNA position 3942, C replaced by T.
Protein change: p.Pro1314=; no amino-acid change (proline 1314 retained).
Molecular consequence: synonymous variant.
Genome position (GRCh38, 1-based): chr16:2,083,753, C>T. VCF-style: chr16-2083753-C-T. GRCh37 (hg19) VCF-style: chr16-2133754-C-T.
Other names: c.3741C>T, p.Pro1247= (NM_001077183.3); c.3873C>T, p.Pro1291= (NM_001114382.3); c.3633C>T, p.Pro1211= (NM_001318827.2); c.3597C>T, p.Pro1199= (NM_001318829.2); c.3210C>T, p.Pro1070= (NM_001318831.2); c.3774C>T, p.Pro1258= (NM_001318832.2); c.3744C>T, p.Pro1248= (NM_001363528.2); c.3810C>T, p.Pro1270= (NM_001370404.1); and 2 more.
Identifiers: ClinVar variation 413666 (VCV000413666.34), dbSNP rs759988275, ClinGen allele CA049701.